The following is an entry in ClinVar:

NM_007294.4(BRCA1):c.3440C>G (p.Ser1147Cys)

Genes: BRCA1 (BRCA1 DNA repair associated; minus strand), LOC126862571 (BRD4-independent group 4 enhancer GRCh37_chr17:41243136-41244335; plus strand). Cytogenetic location: 17q21.31.
Variant type: single nucleotide variant.
Coding change: c.3440C>G on transcript NM_007294.4 (MANE Select); coding-DNA position 3440, C replaced by G.
Protein change: p.Ser1147Cys; replaces serine 1147 with cysteine.
Molecular consequence: missense variant. On other transcripts: intron variant (135).
Genome position (GRCh38, 1-based): chr17:43,092,091, G>C on the plus strand (C>G on the coding strand, the complement: BRCA1 is on the minus strand). VCF-style: chr17-43092091-G-C. GRCh37 (hg19) VCF-style: chr17-41244108-G-C.
Other names: c.3317C>G, p.Ser1106Cys (NM_001407664.1, NM_001407665.1, NM_001407666.1 and 19 more transcripts); c.3314C>G, p.Ser1105Cys (NM_001407670.1, NM_001407671.1, NM_001407672.1 and 11 more transcripts); c.3299C>G, p.Ser1100Cys (NM_001407726.1, NM_001407727.1, NM_001407728.1 and 29 more transcripts); c.3296C>G, p.Ser1099Cys (NM_001407740.1, NM_001407741.1, NM_001407742.1 and 20 more transcripts); c.3227C>G, p.Ser1076Cys (NM_001407571.1, NM_001407853.1, NM_001407894.1 and 9 more transcripts); c.3440C>G, p.Ser1147Cys (NM_001407581.1, NM_001407582.1, NM_001407583.1 and 30 more transcripts); c.3437C>G, p.Ser1146Cys (NM_001407587.1, NM_001407590.1, NM_001407591.1 and 22 more transcripts); c.3431C>G, p.Ser1144Cys (NM_001407646.1, NM_001407647.1); and 41 more; short protein forms S1059C, S1077C, S1079C, S1100C, S1147C, S979C, S1019C, S1076C.
Identifiers: ClinVar variation 5033179 (VCV005033179.1).
Genomic context (GRCh38, chr17:43,092,091, plus strand): 5'-TCAGCAAAACTAGTATCTTCCTTTATTTCACCATCATCTAACAGGTCATCAGGTGTCTCA[G>C]AACAAACCTGAGATGCATGACTACTTCCCATAGGCTGTTCTAAGTTATCTGAAATCAGAT-3'
Protein context (NP_009225.1, residues 1137-1157): MGSSHASQVC[Ser1147Cys]ETPDDLLDDG

ClinVar aggregate classification (germline): Uncertain significance (1 of 4 stars; one submission).

Conditions:
Hereditary cancer-predisposing syndrome. Also called: Neoplastic Syndromes, Hereditary; Tumor predisposition; Hereditary neoplastic syndrome; Hereditary Cancer Syndrome. Identifiers: Orphanet 140162, MedGen C0027672, MeSH D009386, MONDO:0015356.

Submission:

Ambry Genetics
Classification: Uncertain significance for Hereditary cancer-predisposing syndrome. Last evaluated: 2026-07-06. Review status: criteria provided, single submitter. Criteria: Ambry Variant Classification Scheme 2023. Collection method: clinical testing. Allele origin: germline.
Comment: The p.S1147C variant (also known as c.3440C>G), located in coding exon 9 of the BRCA1 gene, results from a C to G substitution at nucleotide position 3440. The serine at codon 1147 is replaced by cysteine, an amino acid with dissimilar properties. This amino acid position is conserved. In addition, this alteration is predicted to be deleterious by in silico analysis. Based on the available evidence, the clinical significance of this variant remains unclear.